The following is an entry in ClinVar:

NM_003978.5(PSTPIP1):c.985+8G>A

Gene: PSTPIP1 (proline-serine-threonine phosphatase interacting protein 1; plus strand). Cytogenetic location: 15q24.3.
Variant type: single nucleotide variant.
Coding change: c.985+8G>A on transcript NM_003978.5 (MANE Select); 8 bases into the intron after coding-DNA position 985, G replaced by A.
Molecular consequence: intron variant.
Genome position (GRCh38, 1-based): chr15:77,035,571, G>A. VCF-style: chr15-77035571-G-A. GRCh37 (hg19) VCF-style: chr15-77327912-G-A.
Other names: c.1180+8G>A (NM_001321137.1); c.958+8G>A (NM_001321136.2); c.928+8G>A (NM_001321135.2); c.985+8G>A (NM_001411086.1).
Identifiers: ClinVar variation 3660509 (VCV003660509.2).

ClinVar aggregate classification (germline): Uncertain significance (1 of 4 stars; one submission).

Conditions:
Pyogenic arthritis-pyoderma gangrenosum-acne syndrome (PAPA). Also called: PAPA SYNDROME; FAMILIAL RECURRENT ARTHRITIS. Identifiers: Orphanet 69126, MedGen C1858361, MONDO:0011462, OMIM 604416.

gnomAD v4.1: 1 of 1,572,546 alleles (0.000064%); highest among the groups gnomAD compares: Admixed American, 0.0019%; no homozygotes.

Submission:

Labcorp Genetics (formerly Invitae), Labcorp
Classification: Uncertain significance for Pyogenic arthritis-pyoderma gangrenosum-acne syndrome. Last evaluated: 2024-07-24. Review status: criteria provided, single submitter. Criteria: Invitae Variant Classification Sherloc (09022015). Collection method: clinical testing. Allele origin: germline.
Comment: This sequence change falls in intron 13 of the PSTPIP1 gene. It does not directly change the encoded amino acid sequence of the PSTPIP1 protein. The frequency data for this variant in the population databases is considered unreliable, as metrics indicate poor data quality at this position in the gnomAD database. This variant has not been reported in the literature in individuals affected with PSTPIP1-related conditions. Algorithms developed to predict the effect of sequence changes on RNA splicing suggest that this variant may disrupt the consensus splice site. In summary, the available evidence is currently insufficient to determine the role of this variant in disease. Therefore, it has been classified as a Variant of Uncertain Significance.